The following is an entry in ClinVar:

NM_005629.4(SLC6A8):c.602A>G (p.Asp201Gly)

Gene: SLC6A8 (solute carrier family 6 member 8; plus strand). Cytogenetic location: Xq28.
Variant type: single nucleotide variant.
Coding change: c.602A>G on transcript NM_005629.4 (MANE Select); coding-DNA position 602, A replaced by G.
Protein change: p.Asp201Gly; replaces aspartic acid 201 with glycine.
Molecular consequence: missense variant.
Genome position (GRCh38, 1-based): chrX:153,691,511, A>G. VCF-style: chrX-153691511-A-G. GRCh37 (hg19) VCF-style: chrX-152956966-A-G.
Other names: c.602A>G, p.Asp201Gly (NM_001142805.2); c.257A>G, p.Asp86Gly (NM_001142806.1); short protein forms D201G, D86G.
Identifiers: ClinVar variation 2850269 (VCV002850269.3), dbSNP rs2522156437, ClinGen allele CA415079307.

ClinVar aggregate classification (germline): Uncertain significance (1 of 4 stars; one submission).

Conditions:
Creatine transporter deficiency (CCDS1). Also called: CEREBRAL CREATINE DEFICIENCY SYNDROME 1; Creatine Transporter (CRTR) Deficiency; Mental retardation , X-linked with seizures, short stature and midface hypoplasia; Mental retardation , X-linked, with creatine transport deficiency; X-linked creatine transporter deficiency; X-linked creatine deficiency syndrome. Identifiers: Orphanet 52503, MedGen C1845862, MONDO:0010305, OMIM 300352.

Submission:

Labcorp Genetics (formerly Invitae), Labcorp
Classification: Uncertain significance for Creatine transporter deficiency. Last evaluated: 2023-03-27. Review status: criteria provided, single submitter. Criteria: Invitae Variant Classification Sherloc (09022015). Collection method: clinical testing. Allele origin: germline.
Comment: In summary, the available evidence is currently insufficient to determine the role of this variant in disease. Therefore, it has been classified as a Variant of Uncertain Significance. Advanced modeling of protein sequence and biophysical properties (such as structural, functional, and spatial information, amino acid conservation, physicochemical variation, residue mobility, and thermodynamic stability) performed at Invitae indicates that this missense variant is not expected to disrupt SLC6A8 protein function. This variant has not been reported in the literature in individuals affected with SLC6A8-related conditions. This variant is not present in population databases (gnomAD no frequency). This sequence change replaces aspartic acid, which is acidic and polar, with glycine, which is neutral and non-polar, at codon 201 of the SLC6A8 protein (p.Asp201Gly).